The following is an entry in ClinVar:

NM_001378454.1(ALMS1):c.11251A>G (p.Thr3751Ala)

Gene: ALMS1 (ALMS1 centrosome and basal body associated protein; plus strand). Cytogenetic location: 2p13.1.
Variant type: single nucleotide variant.
Coding change: c.11251A>G on transcript NM_001378454.1 (MANE Select); coding-DNA position 11251, A replaced by G.
Protein change: p.Thr3751Ala; replaces threonine 3751 with alanine.
Molecular consequence: missense variant.
Genome position (GRCh38, 1-based): chr2:73,573,128, A>G. VCF-style: chr2-73573128-A-G. GRCh37 (hg19) VCF-style: chr2-73800255-A-G.
Other names: c.11254A>G, p.Thr3752Ala (NM_015120.4); short protein forms T3751A, T3752A.
Identifiers: ClinVar variation 2157732 (VCV002157732.5), dbSNP rs770422803, ClinGen allele CA1715143.
Genomic context (GRCh38, chr2:73,573,128, plus strand): 5'-AGCAACACTTCTTCGGATTGTCGGCCCTCAGAGGAGAGTGAGCTGCTCACAGATACTACC[A>G]CCAACATCCTTTCCGGCACCACTTCTACTGTCGAATCAGATATATTGACCCAAACAGATA-3'
Protein context (NP_001365383.1, residues 3741-3761): EESELLTDTT[Thr3751Ala]NILSGTTSTV

ClinVar aggregate classification (germline): Uncertain significance. Review status: criteria provided, multiple submitters, no conflicts (2 of 4 stars). 2 submissions from 2 submitters: Uncertain significance (2). Last evaluated 2026-03-26.

Conditions:
ALMS1-related disorder. Also called: ALMS1-related condition.
Alstrom syndrome (ALMS). Identifiers: Orphanet 64, MedGen C0268425, MONDO:0008763, OMIM 203800.

Allele frequency attached by ClinVar (database versions not stated): ExAC 0.00001; gnomAD exomes below 0.00001.
gnomAD v4.1: 3 of 1,614,028 alleles (0.00019%); highest among the groups gnomAD compares: Middle Eastern, 0.033%; no homozygotes.

Submissions (2):

PreventionGenetics, part of Exact Sciences
Classification: Uncertain significance for ALMS1-related condition. Last evaluated: 2026-03-26. Review status: criteria provided, single submitter. Criteria: ACMG Guidelines, 2015. Collection method: clinical testing. Allele origin: germline.
Comment: The ALMS1 c.11254A>G variant is predicted to result in the amino acid substitution p.Ile3752Val. To our knowledge, this variant has not been reported in the literature. This variant is reported in 0.0087% of alleles in individuals of Latino descent in gnomAD. At this time, the clinical significance of this variant is uncertain due to the absence of conclusive functional and genetic evidence.

Labcorp Genetics (formerly Invitae), Labcorp
Classification: Uncertain significance for Alstrom syndrome. Last evaluated: 2022-02-20. Review status: criteria provided, single submitter. Criteria: Invitae Variant Classification Sherloc (09022015). Collection method: clinical testing. Allele origin: germline.
Comment: This variant is present in population databases (rs770422803, gnomAD 0.0009%). This sequence change replaces threonine, which is neutral and polar, with alanine, which is neutral and non-polar, at codon 3752 of the ALMS1 protein (p.Thr3752Ala). This variant has not been reported in the literature in individuals affected with ALMS1-related conditions. Experimental studies and prediction algorithms are not available or were not evaluated, and the functional significance of this variant is currently unknown. In summary, the available evidence is currently insufficient to determine the role of this variant in disease. Therefore, it has been classified as a Variant of Uncertain Significance.